The following is an entry in ClinVar:

NM_003242.6(TGFBR2):c.1538T>C (p.Val513Ala)

Gene: TGFBR2 (transforming growth factor beta receptor 2; plus strand). Cytogenetic location: 3p24.1.
Variant type: single nucleotide variant.
Coding change: c.1538T>C on transcript NM_003242.6 (MANE Select); coding-DNA position 1538, T replaced by C.
Protein change: p.Val513Ala; replaces valine 513 with alanine.
Molecular consequence: missense variant.
Genome position (GRCh38, 1-based): chr3:30,691,433, T>C. VCF-style: chr3-30691433-T-C. GRCh37 (hg19) VCF-style: chr3-30732925-T-C.
Other names: c.1613T>C, p.Val538Ala (NM_001024847.3); c.1721T>C, p.Val574Ala (NM_001407126.1); c.1646T>C, p.Val549Ala (NM_001407127.1); c.1565T>C, p.Val522Ala (NM_001407128.1); c.1541T>C, p.Val514Ala (NM_001407129.1); c.1535T>C, p.Val512Ala (NM_001407130.1); c.1433T>C, p.Val478Ala (NM_001407132.1, NM_001407133.1, NM_001407134.1 and 2 more transcripts); c.1253T>C, p.Val418Ala (NM_001407137.1); and 2 more; short protein forms V514A, V522A, V538A, V393A, V478A, V513A, V549A, V223A.
Identifiers: ClinVar variation 3325720 (VCV003325720.1).

ClinVar aggregate classification (germline): Likely pathogenic (1 of 4 stars; one submission).

Conditions:
Familial thoracic aortic aneurysm and aortic dissection (TAAD). Also called: Thoracic aortic aneurysms and dissections. Identifiers: Orphanet 91387, MedGen C4707243, MONDO:0019625.

Submission:

Ambry Genetics
Classification: Likely pathogenic for Familial thoracic aortic aneurysm and aortic dissection. Last evaluated: 2024-05-16. Review status: criteria provided, single submitter. Criteria: Ambry Variant Classification Scheme 2023. Collection method: clinical testing. Allele origin: germline.
Comment: The p.V513A variant (also known as c.1538T>C), located in coding exon 7 of the TGFBR2 gene, results from a T to C substitution at nucleotide position 1538. The valine at codon 513 is replaced by alanine, an amino acid with similar properties. This alteration, which is also known as c.1613T>C (p.Val538Ala), has been reported in individuals with concerns for connective tissues disorders, including Loeys-Dietz syndrome, and was found to be de novo in an individual with a clinical diagnosis of Loeys-Dietz syndrome (Luo M et al. Clin Chim Acta, 2016 May;456:144-148; Weerakkody RA et al. Genet Med, 2016 Nov;18:1119-1127; Luo X et al. Front Genet, 2020 May;11:479). This amino acid position is well conserved in available vertebrate species. In addition, the in silico prediction for this alteration is inconclusive. This variant is considered to be rare based on population cohorts in the Genome Aggregation Database (gnomAD). Based on the majority of available evidence to date, this variant is likely to be pathogenic.

Literature cited by the submitters: PubMed 26877057; PubMed 27011056; PubMed 32528524.